The following is an entry in ClinVar:

NM_002439.5(MSH3):c.2805T>G (p.Ile935Met)

Gene: MSH3 (mutS homolog 3; plus strand). Cytogenetic location: 5q14.1.
Variant type: single nucleotide variant.
Coding change: c.2805T>G on transcript NM_002439.5 (MANE Select); coding-DNA position 2805, T replaced by G.
Protein change: p.Ile935Met; replaces isoleucine 935 with methionine.
Molecular consequence: missense variant.
Genome position (GRCh38, 1-based): chr5:80,813,733, T>G. VCF-style: chr5-80813733-T-G. GRCh37 (hg19) VCF-style: chr5-80109552-T-G.
Other names: short protein forms I935M.
Identifiers: ClinVar variation 3398785 (VCV003398785.1).

ClinVar aggregate classification (germline): Uncertain significance (1 of 4 stars; one submission).

Conditions:
Hereditary cancer-predisposing syndrome. Also called: Hereditary Cancer Syndrome; Tumor predisposition; Hereditary neoplastic syndrome; Neoplastic Syndromes, Hereditary. Identifiers: Orphanet 140162, MedGen C0027672, MeSH D009386, MONDO:0015356.

Submission:

Ambry Genetics
Classification: Uncertain significance for Hereditary cancer-predisposing syndrome. Last evaluated: 2024-12-07. Review status: criteria provided, single submitter. Criteria: Ambry Variant Classification Scheme 2023. Collection method: clinical testing. Allele origin: germline.
Comment: The p.I935M variant (also known as c.2805T>G), located in coding exon 20 of the MSH3 gene, results from a T to G substitution at nucleotide position 2805. The isoleucine at codon 935 is replaced by methionine, an amino acid with highly similar properties. This amino acid position is conserved. In addition, this alteration is predicted to be deleterious by in silico analysis. Based on the available evidence, the clinical significance of this variant remains unclear.